The following is an entry in ClinVar:

NM_000088.4(COL1A1):c.730C>T (p.Arg244Cys)

Genes: COL1A1 (collagen type I alpha 1 chain; minus strand), LOC126862586 (CDK7 strongly-dependent group 2 enhancer GRCh37_chr17:48273702-48274901; plus strand). Cytogenetic location: 17q21.33.
Variant type: single nucleotide variant.
Coding change: c.730C>T on transcript NM_000088.4 (MANE Select); coding-DNA position 730, C replaced by T.
Protein change: p.Arg244Cys; replaces arginine 244 with cysteine.
Molecular consequence: missense variant.
Genome position (GRCh38, 1-based): chr17:50,197,200, G>A on the plus strand (C>T on the coding strand, the complement: COL1A1 is on the minus strand). VCF-style: chr17-50197200-G-A. GRCh37 (hg19) VCF-style: chr17-48274561-G-A.
Other names: short protein forms R244C.
Identifiers: ClinVar variation 1990122 (VCV001990122.4), dbSNP rs1435869455, ClinGen allele CA400224190.

ClinVar aggregate classification (germline): Uncertain significance (1 of 4 stars; one submission).

Conditions:
Osteogenesis imperfecta type I (OI1). Also called: Osteogenesis imperfecta type 1; Classic Non-deforming Osteogenesis Imperfecta with Blue Sclerae; OI, TYPE I; OSTEOGENESIS IMPERFECTA TARDA; OSTEOGENESIS IMPERFECTA WITH BLUE SCLERAE; Lobstein's Disease. Identifiers: Orphanet 216796, Orphanet 666, MedGen C0023931, MONDO:0008146, OMIM 166200. Disease mechanism: loss of function.

Allele frequency attached by ClinVar (database versions not stated): gnomAD 0.00001; TOPMed 0.00001.
gnomAD v4.1: 7 of 1,613,338 alleles (0.00043%); highest among the groups gnomAD compares: Non-Finnish European, 0.00025%; no homozygotes.

Submission:

Labcorp Genetics (formerly Invitae), Labcorp
Classification: Uncertain significance for Osteogenesis imperfecta type I. Last evaluated: 2023-08-16. Review status: criteria provided, single submitter. Criteria: Invitae Variant Classification Sherloc (09022015). Collection method: clinical testing. Allele origin: germline.
Comment: Algorithms developed to predict the effect of sequence changes on RNA splicing suggest that this variant may disrupt the consensus splice site. In summary, the available evidence is currently insufficient to determine the role of this variant in disease. Therefore, it has been classified as a Variant of Uncertain Significance. Advanced modeling of protein sequence and biophysical properties (such as structural, functional, and spatial information, amino acid conservation, physicochemical variation, residue mobility, and thermodynamic stability) performed at Invitae indicates that this missense variant is expected to disrupt COL1A1 protein function. ClinVar contains an entry for this variant (Variation ID: 1990122). This variant has not been reported in the literature in individuals affected with COL1A1-related conditions. This variant is present in population databases (no rsID available, gnomAD no frequency). This sequence change replaces arginine, which is basic and polar, with cysteine, which is neutral and slightly polar, at codon 244 of the COL1A1 protein (p.Arg244Cys).